The following is an entry in ClinVar:

NM_006254.4(PRKCD):c.151A>G (p.Met51Val)

Gene: PRKCD (protein kinase C delta; plus strand). Cytogenetic location: 3p21.1.
Variant type: single nucleotide variant.
Coding change: c.151A>G on transcript NM_006254.4 (MANE Select); coding-DNA position 151, A replaced by G.
Protein change: p.Met51Val; replaces methionine 51 with valine.
Molecular consequence: missense variant.
Genome position (GRCh38, 1-based): chr3:53,179,612, A>G. VCF-style: chr3-53179612-A-G. GRCh37 (hg19) VCF-style: chr3-53213628-A-G.
Other names: c.151A>G, p.Met51Val (NM_001316327.2, NM_001354679.2, NM_001354680.2 and 1 more transcripts); c.208A>G, p.Met70Val (NM_001354676.2); c.199A>G, p.Met67Val (NM_001354678.2); short protein forms M51V, M67V, M70V.
Identifiers: ClinVar variation 1919998 (VCV001919998.5), dbSNP rs1398084548, ClinGen allele CA353233077.
Genomic context (GRCh38, chr3:53,179,612, plus strand): 5'-CCTTCTCTGCCTGGCCTTGTTGCAGAGCGTGGGAAAACACTGGTGCAGAAGAAGCCGACC[A>G]TGTATCCTGAGTGGAAGTCGACGTTCGATGCCCACATCTATGAGGGGCGCGTCATCCAGA-3'
Protein context (NP_006245.2, residues 41-61): GKTLVQKKPT[Met51Val]YPEWKSTFDA

ClinVar aggregate classification (germline): Uncertain significance (1 of 4 stars; one submission).

Conditions:
Autoimmune lymphoproliferative syndrome, type III caused by mutation in PRKCD. Identifiers: Orphanet 3261, Orphanet 664711, MedGen C3809928, MONDO:8000024, OMIM 615559.

Allele frequency attached by ClinVar (database versions not stated): gnomAD exomes below 0.00001; gnomAD 0.00001; TOPMed 0.00002.
gnomAD v4.1: 5 of 1,614,094 alleles (0.00031%); highest among the groups gnomAD compares: Admixed American, 0.005%; no homozygotes.

Submission:

Labcorp Genetics (formerly Invitae), Labcorp
Classification: Uncertain significance for Autoimmune lymphoproliferative syndrome, type III caused by mutation in PRKCD. Last evaluated: 2022-08-17. Review status: criteria provided, single submitter. Criteria: Invitae Variant Classification Sherloc (09022015). Collection method: clinical testing. Allele origin: germline.
Comment: This sequence change replaces methionine, which is neutral and non-polar, with valine, which is neutral and non-polar, at codon 51 of the PRKCD protein (p.Met51Val). This variant is present in population databases (no rsID available, gnomAD 0.003%). This variant has not been reported in the literature in individuals affected with PRKCD-related conditions. Algorithms developed to predict the effect of missense changes on protein structure and function are either unavailable or do not agree on the potential impact of this missense change (SIFT: "Tolerated"; PolyPhen-2: "Possibly Damaging"; Align-GVGD: "Class C0"). In summary, the available evidence is currently insufficient to determine the role of this variant in disease. Therefore, it has been classified as a Variant of Uncertain Significance.